The following is an entry in ClinVar:

ClinVar aggregate classification (germline): Likely pathogenic (1 of 4 stars; one submission).

Conditions:
Tyrosinemia type II (TYRSN2). Also called: KERATOSIS PALMOPLANTARIS WITH CORNEAL DYSTROPHY; OREGON TYPE TYROSINEMIA; TAT DEFICIENCY; TYROSINE AMINOTRANSFERASE DEFICIENCY; TYROSINE TRANSAMINASE DEFICIENCY. Identifiers: Orphanet 28378, MedGen C0268487, MONDO:0010160, OMIM 276600.

Submission:

Labcorp Genetics (formerly Invitae), Labcorp
Classification: Likely pathogenic for Tyrosinemia type II. Last evaluated: 2022-08-24. Review status: criteria provided, single submitter. Criteria: Invitae Variant Classification Sherloc (09022015). Collection method: clinical testing. Allele origin: germline.
Comment: This variant results in the deletion of part of exon 4 (c.396_408+201del) of the TAT gene. It is expected to disrupt RNA splicing. Variants that disrupt the donor or acceptor splice site typically lead to a loss of protein function (PMID: 16199547), and loss-of-function variants in TAT are known to be pathogenic (PMID: 9544843). This variant is not present in population databases (gnomAD no frequency). This variant has not been reported in the literature in individuals affected with TAT-related conditions. In summary, the currently available evidence indicates that the variant is pathogenic, but additional data are needed to prove that conclusively. Therefore, this variant has been classified as Likely Pathogenic.

Literature cited by the submitters: PubMed 16199547; PubMed 9544843.

NM_000353.3(TAT):c.396_408+201del

Gene: TAT (tyrosine aminotransferase; minus strand). Cytogenetic location: 16q22.2.
Variant type: Deletion.
Coding change: c.396_408+201del on transcript NM_000353.3 (MANE Select); coding-DNA position 396 through 201 bases into the intron after coding-DNA position 408, 214 bases deleted.
Molecular consequence: splice donor variant.
Genome position (GRCh38, 1-based): chr16:71,573,338-71,573,551, 214 bases deleted. GRCh37 (hg19): chr16:71,607,244-71,607,457.
Identifiers: ClinVar variation 2026898 (VCV002026898.4), dbSNP rs2507668899, ClinGen allele CA2580092044.